The following is an entry in ClinVar:

NM_152618.3(BBS12):c.1367A>G (p.Tyr456Cys)

Gene: BBS12 (Bardet-Biedl syndrome 12; plus strand). Cytogenetic location: 4q27.
Variant type: single nucleotide variant.
Coding change: c.1367A>G on transcript NM_152618.3 (MANE Select); coding-DNA position 1367, A replaced by G.
Protein change: p.Tyr456Cys; replaces tyrosine 456 with cysteine.
Molecular consequence: missense variant.
Genome position (GRCh38, 1-based): chr4:122,743,259, A>G. VCF-style: chr4-122743259-A-G. GRCh37 (hg19) VCF-style: chr4-123664414-A-G.
Other names: c.1367A>G, p.Tyr456Cys (NM_001178007.2); short protein forms Y456C.
Identifiers: ClinVar variation 3479920 (VCV003479920.2).

ClinVar aggregate classification (germline): Uncertain significance. Review status: criteria provided, multiple submitters, no conflicts (2 of 4 stars). 2 submissions from 2 submitters: Uncertain significance (2). Last evaluated 2025-11-04.

Conditions:
BBS12-related disorder. Also called: BBS12-related condition.
Inborn genetic diseases. Identifiers: MedGen C0950123, MeSH D030342.

gnomAD v4.1: 1 of 1,614,128 alleles (0.000062%); no homozygotes.

Submissions (2):

PreventionGenetics, part of Exact Sciences
Classification: Uncertain significance for BBS12-related condition. Last evaluated: 2025-11-04. Review status: criteria provided, single submitter. Criteria: ACMG Guidelines, 2015. Collection method: clinical testing. Allele origin: germline.
Comment: The BBS12 c.1367A>G variant is predicted to result in the amino acid substitution p.Tyr456Cys. To our knowledge, this variant has not been reported in the literature or in a large population database (gnomAD), indicating this variant is rare. At this time, the clinical significance of this variant is uncertain due to the absence of conclusive functional and genetic evidence.

Ambry Genetics
Classification: Uncertain significance for Inborn genetic diseases. Last evaluated: 2024-09-26. Review status: criteria provided, single submitter. Criteria: Ambry Variant Classification Scheme 2023. Collection method: clinical testing. Allele origin: germline.